The following is an entry in ClinVar:

NM_001128840.3(CACNA1D):c.5521G>T (p.Gly1841Trp)

Gene: CACNA1D (calcium voltage-gated channel subunit alpha1 D; plus strand). Cytogenetic location: 3p21.1.
Variant type: single nucleotide variant.
Coding change: c.5521G>T on transcript NM_001128840.3 (MANE Select); coding-DNA position 5521, G replaced by T.
Protein change: p.Gly1841Trp; replaces glycine 1841 with tryptophan.
Molecular consequence: missense variant.
Genome position (GRCh38, 1-based): chr3:53,803,508, G>T. VCF-style: chr3-53803508-G-T. GRCh37 (hg19) VCF-style: chr3-53837535-G-T.
Other names: c.5581G>T, p.Gly1861Trp (NM_000720.4); c.5449G>T, p.Gly1817Trp (NM_001128839.3); short protein forms G1861W, G1841W, G1817W.
Identifiers: ClinVar variation 4999645 (VCV004999645.1).

ClinVar aggregate classification (germline): Uncertain significance (1 of 4 stars; one submission).

Conditions:
CACNA1D-related disorder.

gnomAD v4.1: 4 of 1,614,170 alleles (0.00025%); highest among the groups gnomAD compares: Admixed American, 0.005%; no homozygotes.

Submission:

PreventionGenetics, part of Exact Sciences
Classification: Uncertain significance for CACNA1D-related condition. Last evaluated: 2025-04-29. Review status: criteria provided, single submitter. Criteria: ACMG Guidelines, 2015. Collection method: clinical testing. Allele origin: germline.
Comment: The CACNA1D c.5581G>T variant is predicted to result in the amino acid substitution p.Gly1861Trp. To our knowledge, this variant has not been reported in the literature. This variant is reported in 0.0029% of alleles in individuals of Latino descent in gnomAD. At this time, the clinical significance of this variant is uncertain due to the absence of conclusive functional and genetic evidence.